The following is an entry in ClinVar:

NM_017934.7(PHIP):c.5415A>C (p.Gly1805=)

Genes: IRAK1BP1 (interleukin 1 receptor associated kinase 1 binding protein 1; plus strand), PHIP (PHIP subunit of CUL4-Ring ligase complex; minus strand). Cytogenetic location: 6q14.1.
Variant type: single nucleotide variant.
Coding change: c.5415A>C on transcript NM_017934.7 (MANE Select); coding-DNA position 5415, A replaced by C.
Protein change: p.Gly1805=; no amino-acid change (glycine 1805 retained).
Molecular consequence: synonymous variant.
Genome position (GRCh38, 1-based): chr6:78,940,744, T>G on the plus strand (A>C on the coding strand, the complement: PHIP is on the minus strand). VCF-style: chr6-78940744-T-G. GRCh37 (hg19) VCF-style: chr6-79650461-T-G.
Identifiers: ClinVar variation 4982442 (VCV004982442.1).
Genomic context (GRCh38, chr6:78,940,744, plus strand): 5'-TGGTACAAGTTACCAACCAATTAAATTAGCTTTTGCTTTTTCAGTCAACTTTCGGACTCG[T>G]CCTCTACTAGAAGTTCCAAAAGTTAAAGAGGTGTCTTCGAACAACAGCTGCCTTTGCTCC-3'
Protein context (NP_060404.4, residues 1795-1815): TSLTFGTSSR[Gly1805=]RVRKLTEKAK

ClinVar aggregate classification (germline): Likely benign (1 of 4 stars; one submission).

Conditions:
PHIP-related disorder. Also called: PHIP-related condition; PHIP-related disorders.

Submission:

PreventionGenetics, part of Exact Sciences
Classification: Likely benign for PHIP-related condition. Last evaluated: 2025-10-08. Review status: criteria provided, single submitter. Criteria: ACMG Guidelines, 2015. Collection method: clinical testing. Allele origin: germline.
Comment: This variant is classified as likely benign based on ACMG/AMP sequence variant interpretation guidelines (Richards et al. 2015 PMID: 25741868, with internal and published modifications).